The following is an entry in ClinVar:

NM_015460.4(MYRIP):c.2229G>A (p.Thr743=)

Genes: EIF1B-AS1 (EIF1B antisense RNA 1; minus strand), MYRIP (myosin VIIA and Rab interacting protein; plus strand). Cytogenetic location: 3p22.1.
Variant type: single nucleotide variant.
Coding change: c.2229G>A on transcript NM_015460.4 (MANE Select); coding-DNA position 2229, G replaced by A.
Protein change: p.Thr743=; no amino-acid change (threonine 743 retained).
Molecular consequence: synonymous variant. On other transcripts: non-coding transcript variant (1).
Genome position (GRCh38, 1-based): chr3:40,244,574, G>A. VCF-style: chr3-40244574-G-A. GRCh37 (hg19) VCF-style: chr3-40286065-G-A.
Other names: c.2229G>A, p.Thr743= (NM_001284423.2); c.2034G>A, p.Thr678= (NM_001284424.2); c.1962G>A, p.Thr654= (NM_001284425.2); c.1668G>A, p.Thr556= (NM_001284426.2).
Identifiers: ClinVar variation 735116 (VCV000735116.27), dbSNP rs150468012, ClinGen allele CA2328774.
Genomic context (GRCh38, chr3:40,244,574, plus strand): 5'-CTGCATCCACAGTGGCACTGATGAGACCCATCTGGCGGATCTGGAGGACCAGGTGGCCAC[G>A]GCTGCAGCCCAAGTCCACCATGCTGAACTCCAGGTGAGAACTCTCCTCTCTGCCCACATG-3'
Protein context (NP_056275.2, residues 733-753): HLADLEDQVA[Thr743=]AAAQVHHAEL

ClinVar aggregate classification (germline): Benign/Likely benign. Review status: criteria provided, multiple submitters, no conflicts (2 of 4 stars). 2 submissions from 2 submitters: Benign (1); Likely benign (1). Last evaluated 2022-06-01.

Allele frequency attached by ClinVar (database versions not stated): TOPMed 0.00075; ESP Exome Variant Server 0.00085; gnomAD exomes 0.00112 and 0.00157; gnomAD 0.00128 and 0.00135; ExAC 0.00181.
gnomAD v4.1: 1,807 of 1,613,652 alleles (0.11%); highest among the groups gnomAD compares: Non-Finnish European, 0.12%; 2 homozygotes.

Submissions (2):

CeGaT Center for Human Genetics Tuebingen
Classification: Likely benign. Last evaluated: 2022-06-01. Review status: criteria provided, single submitter. Criteria: CeGaT Center For Human Genetics Tuebingen Variant Classification Criteria Version 2. Collection method: clinical testing. Allele origin: germline. Affected: yes. Observed: 1 variant allele.
Comment: MYRIP: BP4, BP7

Labcorp Genetics (formerly Invitae), Labcorp
Classification: Benign. Last evaluated: 2018-11-03. Review status: criteria provided, single submitter. Criteria: Invitae Variant Classification Sherloc (09022015). Collection method: clinical testing. Allele origin: germline.